The following is an entry in ClinVar:

ClinVar aggregate classification (germline): Uncertain significance. Review status: criteria provided, multiple submitters, no conflicts (2 of 4 stars). 5 submissions from 5 submitters: Uncertain significance (5). Last evaluated 2026-08-20.

Conditions:
PCNT-related disorder. Also called: PCNT-related condition.
Inborn genetic diseases. Identifiers: MedGen C0950123, MeSH D030342.

Allele frequency attached by ClinVar (database versions not stated): gnomAD 0.00005; ESP Exome Variant Server 0.00008; TOPMed 0.00008; ExAC 0.00010.
gnomAD v4.1: 63 of 1,613,068 alleles (0.0039%); highest among the groups gnomAD compares: Admixed American, 0.08%; no homozygotes.

Submissions (5):

PreventionGenetics, part of Exact Sciences
Classification: Uncertain significance for PCNT-related condition. Last evaluated: 2026-08-20. Review status: criteria provided, single submitter. Criteria: ACMG Guidelines, 2015. Collection method: clinical testing. Allele origin: germline.
Comment: The PCNT c.8209C>T variant is predicted to result in the amino acid substitution p.Arg2737Trp. To our knowledge, this variant has not been reported in the literature. This variant is reported in 0.099% of alleles in individuals of Latino descent in gnomAD, which may be too frequent to be an unreported primary cause of disease. Although we suspect that this variant may be benign, the clinical significance of this variant is uncertain at this time due to the absence of conclusive functional and genetic evidence.

Ambry Genetics
Classification: Uncertain significance for Inborn genetic diseases. Last evaluated: 2023-09-20. Review status: criteria provided, single submitter. Criteria: Ambry Variant Classification Scheme 2023. Collection method: clinical testing. Allele origin: germline.

Labcorp Genetics (formerly Invitae), Labcorp
Classification: Uncertain significance. Last evaluated: 2022-08-31. Review status: criteria provided, single submitter. Criteria: Invitae Variant Classification Sherloc (09022015). Collection method: clinical testing. Allele origin: germline.
Comment: This sequence change replaces arginine, which is basic and polar, with tryptophan, which is neutral and slightly polar, at codon 2737 of the PCNT protein (p.Arg2737Trp). This variant is present in population databases (rs369377623, gnomAD 0.1%). This variant has not been reported in the literature in individuals affected with PCNT-related conditions. ClinVar contains an entry for this variant (Variation ID: 1304801). Algorithms developed to predict the effect of missense changes on protein structure and function are either unavailable or do not agree on the potential impact of this missense change (SIFT: "Deleterious"; PolyPhen-2: "Benign"; Align-GVGD: "Class C0"). In summary, the available evidence is currently insufficient to determine the role of this variant in disease. Therefore, it has been classified as a Variant of Uncertain Significance.

GeneDx
Classification: Uncertain significance. Last evaluated: 2019-08-06. Review status: criteria provided, single submitter. Criteria: GeneDx Variant Classification Process June 2021. Collection method: clinical testing. Allele origin: germline. Affected: yes.
Comment: In silico analysis, which includes protein predictors and evolutionary conservation, supports a deleterious effect; Has not been previously published as pathogenic or benign to our knowledge

Breakthrough Genomics
Classification: Uncertain significance. Review status: criteria provided, single submitter. Criteria: ACMG Guidelines, 2015. Collection method: not provided. Allele origin: germline. Inheritance: Autosomal dominant inheritance. Affected: yes.

NM_006031.6(PCNT):c.8209C>T (p.Arg2737Trp)

Gene: PCNT (pericentrin; plus strand). Cytogenetic location: 21q22.3.
Variant type: single nucleotide variant.
Coding change: c.8209C>T on transcript NM_006031.6 (MANE Select); coding-DNA position 8209, C replaced by T.
Protein change: p.Arg2737Trp; replaces arginine 2737 with tryptophan.
Molecular consequence: missense variant.
Genome position (GRCh38, 1-based): chr21:46,431,673, C>T. VCF-style: chr21-46431673-C-T. GRCh37 (hg19) VCF-style: chr21-47851587-C-T.
Other names: c.7855C>T, p.Arg2619Trp (NM_001315529.2); short protein forms R2619W, R2737W.
Identifiers: ClinVar variation 1304801 (VCV001304801.10), dbSNP rs369377623, ClinGen allele CA10080915.
Genomic context (GRCh38, chr21:46,431,673, plus strand): 5'-AACCTGCAGAAGGAGCTGCGTATCGAGCACTCACGCTGCGAGGCCTTGCTGGCTCAGGAG[C>T]GGAGCCAGCTCTCTGAGCTCCAGAAGGACCTTGCGGCTGAGAAGAGCCGCACCCTGGAGC-3'
Protein context (NP_006022.3, residues 2727-2747): SRCEALLAQE[Arg2737Trp]SQLSELQKDL